The following is an entry in ClinVar:

NM_022095.4(ZNF335):c.1859G>A (p.Arg620Lys)

Gene: ZNF335 (zinc finger protein 335; minus strand). Cytogenetic location: 20q13.12.
Variant type: single nucleotide variant.
Coding change: c.1859G>A on transcript NM_022095.4 (MANE Select); coding-DNA position 1859, G replaced by A.
Protein change: p.Arg620Lys; replaces arginine 620 with lysine.
Molecular consequence: missense variant.
Genome position (GRCh38, 1-based): chr20:45,960,449, C>T on the plus strand (G>A on the coding strand, the complement: ZNF335 is on the minus strand). VCF-style: chr20-45960449-C-T. GRCh37 (hg19) VCF-style: chr20-44589088-C-T.
Other names: short protein forms R620K.
Identifiers: ClinVar variation 1176425 (VCV001176425.42), dbSNP rs200292156, ClinGen allele CA9885574.

ClinVar aggregate classification (germline): Uncertain significance. Review status: criteria provided, multiple submitters, no conflicts (2 of 4 stars). 2 submissions from 2 submitters: Uncertain significance (2). Last evaluated 2021-12-02.

Allele frequency attached by ClinVar (database versions not stated): TOPMed 0.00001; ExAC 0.00008; 1000 Genomes Project 0.00020; 1000 Genomes Project 30x 0.00031.
gnomAD v4.1: 37 of 1,614,198 alleles (0.0023%); highest among the groups gnomAD compares: South Asian, 0.02%; no homozygotes.

Submissions (3):

Labcorp Genetics (formerly Invitae), Labcorp
Classification: Uncertain significance. Last evaluated: 2021-12-02. Review status: criteria provided, single submitter. Criteria: Invitae Variant Classification Sherloc (09022015). Collection method: clinical testing. Allele origin: germline.
Comment: In summary, the available evidence is currently insufficient to determine the role of this variant in disease. Therefore, it has been classified as a Variant of Uncertain Significance. Variants that disrupt the consensus splice site are a relatively common cause of aberrant splicing (PMID: 17576681, 9536098). Algorithms developed to predict the effect of sequence changes on RNA splicing suggest that this variant may disrupt the consensus splice site. Algorithms developed to predict the effect of missense changes on protein structure and function (SIFT, PolyPhen-2, Align-GVGD) all suggest that this variant is likely to be disruptive. ClinVar contains an entry for this variant (Variation ID: 1176425). This variant has not been reported in the literature in individuals affected with ZNF335-related conditions. This variant is present in population databases (rs200292156, gnomAD 0.02%). This sequence change replaces arginine, which is basic and polar, with lysine, which is basic and polar, at codon 620 of the ZNF335 protein (p.Arg620Lys). This variant also falls at the last nucleotide of exon 13, which is part of the consensus splice site for this exon.

CeGaT Center for Human Genetics Tuebingen
Classification: Uncertain significance. Last evaluated: 2021-06-01. Review status: criteria provided, single submitter. Criteria: CeGaT Center For Human Genetics Tuebingen Variant Classification Criteria Version 2. Collection method: clinical testing. Allele origin: germline. Affected: yes. Observed: 1 variant allele.

Dr. Peter K. Rogan Lab, Western University
No classification provided (evidence only). Condition: Cervical cancer. Review status: no classification provided. Collection method: in vitro. Allele origin: not applicable. Functional consequence: retained intron. Not counted in ClinVar's aggregate classification.

Literature cited by the submitters: PubMed 17576681 (cited by Labcorp Genetics (formerly Invitae), Labcorp); PubMed 9536098 (cited by Labcorp Genetics (formerly Invitae), Labcorp).